The following is an entry in ClinVar:

ClinVar aggregate classification (germline): Conflicting classifications of pathogenicity. Review status: criteria provided, conflicting classifications (1 of 4 stars). 7 submissions from 7 submitters: Uncertain significance (2); Benign (1); Likely benign (4). Last evaluated 2026-08-13.

Conditions:
Tuberous sclerosis 2 (TSC2). Identifiers: Orphanet 805, MedGen C1860707, MONDO:0013199, OMIM 613254.
TSC2-related disorder. Also called: TSC2-Related Disorders; TSC2-related condition.
Tuberous sclerosis syndrome (TSC). Also called: Tuberous Sclerosis Complex; Tuberous sclerosis. Identifiers: Orphanet 805, MedGen C0041341, MONDO:0001734.

Allele frequency attached by ClinVar (database versions not stated): gnomAD exomes 0.00002; TOPMed 0.00002; ExAC 0.00003.
gnomAD v4.1: 62 of 1,613,872 alleles (0.0038%); highest among the groups gnomAD compares: Non-Finnish European, 0.0048%; no homozygotes.

Submissions (7):

PreventionGenetics, part of Exact Sciences
Classification: Likely benign for TSC2-related condition. Last evaluated: 2026-08-13. Review status: criteria provided, single submitter. Criteria: ACMG Guidelines, 2015. Collection method: clinical testing. Allele origin: germline.
Comment: This variant is classified as likely benign based on ACMG/AMP sequence variant interpretation guidelines (Richards et al. 2015 PMID: 25741868, with internal and published modifications).

Labcorp Genetics (formerly Invitae), Labcorp
Classification: Benign for Tuberous sclerosis 2. Last evaluated: 2025-12-20. Review status: criteria provided, single submitter. Criteria: Invitae Variant Classification Sherloc (09022015). Collection method: clinical testing. Allele origin: germline.

Quest Diagnostics Nichols Institute San Juan Capistrano
Classification: Uncertain significance. Last evaluated: 2025-09-18. Review status: criteria provided, single submitter. Criteria: Quest Diagnostics criteria. Collection method: clinical testing. Allele origin: unknown.

Myriad Genetics, Inc.
Classification: Likely benign for Tuberous sclerosis 2. Last evaluated: 2025-05-13. Review status: criteria provided, single submitter. Criteria: Myriad Autosomal Dominant, Autosomal Recessive and X-Linked Classification Criteria (2023). Collection method: clinical testing. Allele origin: unknown.
Comment: This variant is considered likely benign. This variant is intronic and is not expected to impact mRNA splicing.

Genome-Nilou Lab
Classification: Likely benign for Tuberous sclerosis 2. Last evaluated: 2021-11-07. Review status: criteria provided, single submitter. Criteria: ACMG Guidelines, 2015. Collection method: clinical testing. Allele origin: germline. Affected: no.

Illumina Laboratory Services, Illumina
Classification: Uncertain significance for Tuberous sclerosis syndrome. Last evaluated: 2018-01-12. Review status: criteria provided, single submitter. Criteria: ICSL Variant Classification Criteria 13 December 2019. Collection method: clinical testing. Allele origin: germline.

GeneDx
Classification: Likely benign. Last evaluated: 2016-11-02. Review status: criteria provided, single submitter. Criteria: GeneDx Variant Classification (06012015). Collection method: clinical testing. Allele origin: germline. Affected: yes.
Comment: This variant is considered likely benign or benign based on one or more of the following criteria: it is a conservative change, it occurs at a poorly conserved position in the protein, it is predicted to be benign by multiple in silico algorithms, and/or has population frequency not consistent with disease.

NM_000548.5(TSC2):c.1257+8C>A

Gene: TSC2 (TSC complex subunit 2; plus strand). Cytogenetic location: 16p13.3.
Variant type: single nucleotide variant.
Coding change: c.1257+8C>A on transcript NM_000548.5 (MANE Select); 8 bases into the intron after coding-DNA position 1257, C replaced by A.
Molecular consequence: intron variant.
Genome position (GRCh38, 1-based): chr16:2,062,016, C>A. VCF-style: chr16-2062016-C-A. GRCh37 (hg19) VCF-style: chr16-2112017-C-A.
Other names: c.1257+8C>A (NM_001114382.3, NM_021055.3, NM_001370405.1 and 4 more transcripts); c.1146+8C>A (NM_001318827.2); c.657+8C>A (NM_001318831.2); c.1110+8C>A (NM_001318829.2); c.1290+8C>A (NM_001318832.2).
Identifiers: ClinVar variation 318309 (VCV000318309.20), dbSNP rs767392684, ClinGen allele CA028945.